The following is an entry in ClinVar:

ClinVar aggregate classification (germline): Uncertain significance (1 of 4 stars; one submission).

Conditions:
MYO15A-related disorder. Also called: MYO15A-related condition.

gnomAD v4.1: 4 of 1,613,808 alleles (0.00025%); highest among the groups gnomAD compares: Non-Finnish European, 0.00034%; no homozygotes.

Submission:

PreventionGenetics, part of Exact Sciences
Classification: Uncertain significance for MYO15A-related condition. Last evaluated: 2026-08-05. Review status: criteria provided, single submitter. Criteria: ACMG Guidelines, 2015. Collection method: clinical testing. Allele origin: germline.
Comment: The MYO15A c.4946T>C variant is predicted to result in the amino acid substitution p.Leu1649Pro. To our knowledge, this variant has not been reported in the literature. This variant is reported in 0.00088% of alleles in individuals of European (Non-Finnish) descent in gnomAD. Although we suspect that this variant may be pathogenic, at this time, the clinical significance of this variant is uncertain due to the absence of conclusive functional and genetic evidence.

NM_016239.4(MYO15A):c.4946T>C (p.Leu1649Pro)

Gene: MYO15A (myosin XVA; plus strand). Cytogenetic location: 17p11.2.
Variant type: single nucleotide variant.
Coding change: c.4946T>C on transcript NM_016239.4 (MANE Select); coding-DNA position 4946, T replaced by C.
Protein change: p.Leu1649Pro; replaces leucine 1649 with proline.
Molecular consequence: missense variant.
Genome position (GRCh38, 1-based): chr17:18,138,185, T>C. VCF-style: chr17-18138185-T-C. GRCh37 (hg19) VCF-style: chr17-18041499-T-C.
Other names: short protein forms L1649P.
Identifiers: ClinVar variation 4988218 (VCV004988218.1).